The following is an entry in ClinVar:

NM_015374.3(SUN2):c.2057C>G (p.Thr686Arg)

Genes: GTPBP1 (GTP binding protein 1; plus strand), SUN2 (Sad1 and UNC84 domain containing 2; minus strand). Cytogenetic location: 22q13.1.
Variant type: single nucleotide variant.
Coding change: c.2057C>G on transcript NM_015374.3 (MANE Select); coding-DNA position 2057, C replaced by G.
Protein change: p.Thr686Arg; replaces threonine 686 with arginine.
Molecular consequence: missense variant.
Genome position (GRCh38, 1-based): chr22:38,736,364, G>C on the plus strand (C>G on the coding strand, the complement: SUN2 is on the minus strand). VCF-style: chr22-38736364-G-C. GRCh37 (hg19) VCF-style: chr22-39132369-G-C.
Other names: c.2120C>G, p.Thr707Arg (NM_001199579.2, NM_001394428.1); c.2057C>G, p.Thr686Arg (NM_001199580.2, NM_001394432.1, NM_001394433.1 and 2 more transcripts); c.2150C>G, p.Thr717Arg (NM_001394427.1); c.2102C>G, p.Thr701Arg (NM_001394429.1, NM_001394430.1); c.2054C>G, p.Thr685Arg (NM_001394436.1, NM_001394437.1); c.1967C>G, p.Thr656Arg (NM_001394438.1); c.1919C>G, p.Thr640Arg (NM_001394439.1, NM_001394440.1, NM_001394441.1); c.1658C>G, p.Thr553Arg (NM_001394442.1); and 2 more; short protein forms T553R, T640R, T522R, T685R, T686R, T717R, T494R, T701R.
Identifiers: ClinVar variation 4723001 (VCV004723001.1).
Genomic context (GRCh38, chr22:38,736,364, plus strand): 5'-ATGCAGGTGTACTCGGGGTGGCCCCAGTTAGTCAGGATCCGCAGCTCCACCACCTGGTAC[G>C]TGGCCATCGTAGGGGCCTGGGTAGAGAAGAAAGGGATTAAGAGCATCAGAGACCTGTGAG-3'
Protein context (NP_056189.1, residues 676-696): TFHFQAPTMA[Thr686Arg]YQVVELRILT

ClinVar aggregate classification (germline): Uncertain significance (1 of 4 stars; one submission).

Conditions:
Emery-Dreifuss muscular dystrophy (EDMD). Also called: Scapuloperoneal syndrome, X-linked (formerly); Humeroperoneal neuromuscular disease, (formerly). Identifiers: Orphanet 261, MedGen C0410189, MONDO:0016830.

gnomAD v4.1: 8 of 1,613,542 alleles (0.0005%); highest among the groups gnomAD compares: African/African-American, 0.011%; no homozygotes.

Submission:

Labcorp Genetics (formerly Invitae), Labcorp
Classification: Uncertain significance for Emery-Dreifuss muscular dystrophy. Last evaluated: 2026-01-12. Review status: criteria provided, single submitter. Criteria: Invitae Variant Classification Sherloc (09022015). Collection method: clinical testing. Allele origin: germline.
Comment: This sequence change replaces threonine, which is neutral and polar, with arginine, which is basic and polar, at codon 686 of the SUN2 protein (p.Thr686Arg). This variant is present in population databases (no rsID available, gnomAD 0.007%). This variant has not been reported in the literature in individuals affected with SUN2-related conditions. An algorithm developed to predict the effect of missense changes on protein structure and function (PolyPhen-2) suggests that this variant is likely to be disruptive. In summary, the available evidence is currently insufficient to determine the role of this variant in disease. Therefore, it has been classified as a Variant of Uncertain Significance.